The following is an entry in ClinVar:

NC_000022.11:g.(?_50579171)_(50580670_?)dup

Gene: CHKB (choline kinase beta; minus strand). Cytogenetic location: 22q13.33.
Variant type: Duplication.
Identifiers: ClinVar variation 831266 (VCV000831266.6).

ClinVar aggregate classification (germline): Uncertain significance (1 of 4 stars; one submission).

Conditions:
Megaconial type congenital muscular dystrophy (MDCMC). Also called: CHKB-Related Muscular Dystrophy; CHKB-Related Muscle Diseases; MUSCULAR DYSTROPHY, CONGENITAL, WITH MITOCHONDRIAL STRUCTURAL ABNORMALITIES. Identifiers: Orphanet 280671, MedGen C1865233, MONDO:0011246, OMIM 602541.

Submission:

Labcorp Genetics (formerly Invitae), Labcorp
Classification: Uncertain significance for Megaconial type congenital muscular dystrophy. Last evaluated: 2022-03-09. Review status: criteria provided, single submitter. Criteria: Invitae Variant Classification Sherloc (09022015). Collection method: clinical testing. Allele origin: germline.
Comment: In summary, the available evidence is currently insufficient to determine the role of this variant in disease. Therefore, it has been classified as a Variant of Uncertain Significance. This variant has not been reported in the literature in individuals affected with CHKB-related conditions. This variant results in a copy number gain of the genomic region encompassing exon(s) 5-11 of the CHKB gene. This region includes the termination codon of the gene. This copy number gain extends beyond the assayed region for this gene and therefore may encompass additional genes. As the precise location of this event is unknown, it may be in tandem or it may be located elsewhere in the genome.